The following is an entry in ClinVar:

NM_001005242.3(PKP2):c.1189A>T (p.Ile397Phe)

Gene: PKP2 (plakophilin 2; minus strand). Cytogenetic location: 12p11.21.
Variant type: single nucleotide variant.
Coding change: c.1189A>T on transcript NM_001005242.3 (MANE Select); coding-DNA position 1189, A replaced by T.
Protein change: p.Ile397Phe; replaces isoleucine 397 with phenylalanine.
Molecular consequence: missense variant.
Genome position (GRCh38, 1-based): chr12:32,850,955, T>A on the plus strand (A>T on the coding strand, the complement: PKP2 is on the minus strand). VCF-style: chr12-32850955-T-A. GRCh37 (hg19) VCF-style: chr12-33003889-T-A.
Other names: c.1189A>T, p.Ile397Phe (NM_001407155.1, NM_001407156.1, NM_001407157.1 and 2 more transcripts); c.862A>T, p.Ile288Phe (NM_001407158.1, NM_001407159.1, NM_001407160.1 and 1 more transcripts); short protein forms I288F, I397F.
Identifiers: ClinVar variation 2819858 (VCV002819858.3), dbSNP rs1956691539, ClinGen allele CA384371001.
Genomic context (GRCh38, chr12:32,850,955, plus strand): 5'-CACACACAGCTCGCTGAACGTCTTCATTCTGAACTTTTAGGAGCTGCAGAAGCTTGAGGA[T>A]GCCACGAAGCTGGTTAACCTGGGGAAGAAGCAGATGCATATTTCTAATATTAATTTTGAT-3'
Protein context (NP_001005242.2, residues 387-407): ARKRVNQLRG[Ile397Phe]LKLLQLLKVQ

ClinVar aggregate classification (germline): Uncertain significance (1 of 4 stars; one submission).

Conditions:
Arrhythmogenic right ventricular dysplasia 9 (ARVD9). Also called: Arrhythmogenic Right Ventricular Dysplasia/Cardiomyopathy 9; ARRHYTHMOGENIC RIGHT VENTRICULAR DYSPLASIA, FAMILIAL, 9. Identifiers: MedGen C1836906, MONDO:0012180, OMIM 609040.

Submission:

Labcorp Genetics (formerly Invitae), Labcorp
Classification: Uncertain significance for Arrhythmogenic right ventricular dysplasia 9. Last evaluated: 2022-12-10. Review status: criteria provided, single submitter. Criteria: Invitae Variant Classification Sherloc (09022015). Collection method: clinical testing. Allele origin: germline.
Comment: This variant is not present in population databases (gnomAD no frequency). In summary, the available evidence is currently insufficient to determine the role of this variant in disease. Therefore, it has been classified as a Variant of Uncertain Significance. Algorithms developed to predict the effect of missense changes on protein structure and function are either unavailable or do not agree on the potential impact of this missense change (SIFT: "Deleterious"; PolyPhen-2: "Possibly Damaging"; Align-GVGD: "Class C0"). This variant has not been reported in the literature in individuals affected with PKP2-related conditions. This sequence change replaces isoleucine, which is neutral and non-polar, with phenylalanine, which is neutral and non-polar, at codon 397 of the PKP2 protein (p.Ile397Phe).